The following is an entry in ClinVar:

ClinVar aggregate classification (germline): Uncertain significance (1 of 4 stars; one submission).

Submission:

Labcorp Genetics (formerly Invitae), Labcorp
Classification: Uncertain significance. Last evaluated: 2024-05-28. Review status: criteria provided, single submitter. Criteria: Invitae Variant Classification Sherloc (09022015). Collection method: clinical testing. Allele origin: germline.
Comment: This variant, c.7787_7789del, results in the deletion of 1 amino acid(s) of the KMT2B protein (p.Asp2596del), but otherwise preserves the integrity of the reading frame. This variant is not present in population databases (gnomAD no frequency). This variant has not been reported in the literature in individuals affected with KMT2B-related conditions. ClinVar contains an entry for this variant (Variation ID: 2029432). Experimental studies and prediction algorithms are not available or were not evaluated, and the functional significance of this variant is currently unknown. In summary, the available evidence is currently insufficient to determine the role of this variant in disease. Therefore, it has been classified as a Variant of Uncertain Significance.

NM_014727.3(KMT2B):c.7787_7789del (p.Asp2596del)

Gene: KMT2B (lysine methyltransferase 2B; plus strand). Cytogenetic location: 19q13.12.
Variant type: Deletion.
Coding change: c.7787_7789del on transcript NM_014727.3 (MANE Select); coding-DNA positions 7787 to 7789, 3 bases deleted (ACG; older notation c.7787_7789delACG).
Protein change: p.Asp2596del; deletes aspartic acid 2596.
Molecular consequence: inframe deletion.
Genome position (GRCh38, 1-based): chr19:35,738,106-35,738,108, ACG deleted; deleting any 3 consecutive bases within chr19:35,738,104-35,738,108 gives the same sequence; the c. name uses the placement nearest the transcript's 3' end. VCF-style (leftmost placement, unchanged base first): chr19-35738103-TCGA-T. GRCh37 (hg19) VCF-style: chr19-36229004-TCGA-T.
Other names: short protein forms D2596del.
Identifiers: ClinVar variation 2029432 (VCV002029432.4), dbSNP rs2513369763, ClinGen allele CA2580096866.